The following is an entry in ClinVar:

ClinVar aggregate classification (germline): Uncertain significance. Review status: criteria provided, multiple submitters, no conflicts (2 of 4 stars). 2 submissions from 2 submitters: Uncertain significance (2). Last evaluated 2025-03-27.

Conditions:
Hereditary cancer-predisposing syndrome. Also called: Tumor predisposition; Neoplastic Syndromes, Hereditary; Hereditary neoplastic syndrome; Hereditary Cancer Syndrome. Identifiers: Orphanet 140162, MedGen C0027672, MeSH D009386, MONDO:0015356.
EGFR-related lung cancer (EGFR). Identifiers: MedGen CN130014.

gnomAD v4.1: 2 of 1,614,068 alleles (0.00012%); highest among the groups gnomAD compares: Non-Finnish European, 0.00017%; no homozygotes.

Submissions (2):

Ambry Genetics
Classification: Uncertain significance for Hereditary cancer-predisposing syndrome. Last evaluated: 2025-03-27. Review status: criteria provided, single submitter. Criteria: Ambry Variant Classification Scheme 2023. Collection method: clinical testing. Allele origin: germline.
Comment: The p.V159G variant (also known as c.476T>G), located in coding exon 4 of the EGFR gene, results from a T to G substitution at nucleotide position 476. The valine at codon 159 is replaced by glycine, an amino acid with dissimilar properties. This amino acid position is conserved. In addition, the in silico prediction for this alteration is inconclusive. Based on the available evidence, the clinical significance of this variant remains unclear.

Labcorp Genetics (formerly Invitae), Labcorp
Classification: Uncertain significance for EGFR-related lung cancer. Last evaluated: 2023-05-07. Review status: criteria provided, single submitter. Criteria: Invitae Variant Classification Sherloc (09022015). Collection method: clinical testing. Allele origin: germline.
Comment: This sequence change replaces valine, which is neutral and non-polar, with glycine, which is neutral and non-polar, at codon 159 of the EGFR protein (p.Val159Gly). This variant is not present in population databases (gnomAD no frequency). This variant has not been reported in the literature in individuals affected with EGFR-related conditions. ClinVar contains an entry for this variant (Variation ID: 1514602). An algorithm developed to predict the effect of missense changes on protein structure and function (PolyPhen-2) suggests that this variant is likely to be tolerated. In summary, the available evidence is currently insufficient to determine the role of this variant in disease. Therefore, it has been classified as a Variant of Uncertain Significance.

NM_005228.5(EGFR):c.476T>G (p.Val159Gly)

Gene: EGFR (epidermal growth factor receptor; plus strand). Cytogenetic location: 7p11.2.
Variant type: single nucleotide variant.
Coding change: c.476T>G on transcript NM_005228.5 (MANE Select); coding-DNA position 476, T replaced by G.
Protein change: p.Val159Gly; replaces valine 159 with glycine.
Molecular consequence: missense variant. On other transcripts: intron variant (3).
Genome position (GRCh38, 1-based): chr7:55,146,657, T>G. VCF-style: chr7-55146657-T-G. GRCh37 (hg19) VCF-style: chr7-55214350-T-G.
Other names: c.476T>G, p.Val159Gly (NM_001346898.2, NM_201282.2, NM_201283.2 and 1 more transcripts); c.317T>G, p.Val106Gly (NM_001346900.2); c.424+3169T>G (NM_001346899.2, NM_001346897.2); c.89-9173T>G (NM_001346941.2); c.476T>G (NM_005228.3); short protein forms V159G, V106G.
Identifiers: ClinVar variation 1514602 (VCV001514602.9), dbSNP rs1794779031, ClinGen allele CA367576570.